The following is an entry in ClinVar:

ClinVar aggregate classification (germline): Uncertain significance (1 of 4 stars; one submission).

Submission:

Labcorp Genetics (formerly Invitae), Labcorp
Classification: Uncertain significance. Last evaluated: 2022-12-27. Review status: criteria provided, single submitter. Criteria: Invitae Variant Classification Sherloc (09022015). Collection method: clinical testing. Allele origin: germline.
Comment: This sequence change replaces serine, which is neutral and polar, with tyrosine, which is neutral and polar, at codon 102 of the GEN1 protein (p.Ser102Tyr). This variant is not present in population databases (gnomAD no frequency). This variant has not been reported in the literature in individuals affected with GEN1-related conditions. Algorithms developed to predict the effect of missense changes on protein structure and function are either unavailable or do not agree on the potential impact of this missense change (SIFT: "Deleterious"; PolyPhen-2: "Possibly Damaging"; Align-GVGD: "Class C0"). In summary, the available evidence is currently insufficient to determine the role of this variant in disease. Therefore, it has been classified as a Variant of Uncertain Significance.

NM_001130009.3(GEN1):c.305C>A (p.Ser102Tyr)

Gene: GEN1 (GEN1 structure-specific endonuclease; plus strand). Cytogenetic location: 2p24.2.
Variant type: single nucleotide variant.
Coding change: c.305C>A on transcript NM_001130009.3 (MANE Select); coding-DNA position 305, C replaced by A.
Protein change: p.Ser102Tyr; replaces serine 102 with tyrosine.
Molecular consequence: missense variant.
Genome position (GRCh38, 1-based): chr2:17,761,539, C>A. VCF-style: chr2-17761539-C-A. GRCh37 (hg19) VCF-style: chr2-17942806-C-A.
Other names: c.305C>A, p.Ser102Tyr (NM_182625.5); short protein forms S102Y.
Identifiers: ClinVar variation 2824490 (VCV002824490.3), dbSNP rs2545548403, ClinGen allele CA345906774.
Genomic context (GRCh38, chr2:17,761,539, plus strand): 5'-AAGCTGATGTCATAAGCAAGAGGAATCAGTCTCGGTATGGGTCTTCTGGAAAATCGTGGT[C>A]TCAGAAAACAGGGAGATCACATTTTAAATCAGTCTTAAGAGAGGTGAGCATTCAGATTTG-3'
Protein context (NP_001123481.3, residues 92-112): SRYGSSGKSW[Ser102Tyr]QKTGRSHFKS